The following is an entry in ClinVar:

ClinVar aggregate classification (germline): Likely benign. Review status: criteria provided, single submitter (1 of 4 stars). 2 submissions from 2 submitters: Likely benign (1). 1 of the submissions does not count toward it. Last evaluated 2024-10-24.

Conditions:
DCDC2-related disorder. Also called: DCDC2-related condition.
Isolated neonatal sclerosing cholangitis (NSC). Also called: Sclerosing cholangitis, neonatal. Identifiers: Orphanet 480556, MedGen C4479344, MONDO:0018816, OMIM 617394.
Autosomal recessive nonsyndromic hearing loss 66 (DFNB66). Also called: Deafness, autosomal recessive 66. Identifiers: Orphanet 90636, MedGen C1857750, MONDO:0012442, OMIM 610212.

Allele frequency attached by ClinVar (database versions not stated): gnomAD 0.00001; gnomAD exomes 0.00002; TOPMed 0.00002; ExAC 0.00004.
gnomAD v4.1: 27 of 1,614,160 alleles (0.0017%); highest among the groups gnomAD compares: Admixed American, 0.015%; no homozygotes.

Submissions (2):

Labcorp Genetics (formerly Invitae), Labcorp
Classification: Likely benign for Autosomal recessive nonsyndromic hearing loss 66; Isolated neonatal sclerosing cholangitis. Last evaluated: 2024-10-24. Review status: criteria provided, single submitter. Criteria: Invitae Variant Classification Sherloc (09022015). Collection method: clinical testing. Allele origin: germline.

PreventionGenetics, part of Exact Sciences
Classification: Likely benign for DCDC2-related condition. Last evaluated: 2021-01-19. Review status: no assertion criteria provided. Collection method: clinical testing. Allele origin: germline. Not counted in ClinVar's aggregate classification.
Comment: This variant is classified as likely benign based on ACMG/AMP sequence variant interpretation guidelines (Richards et al. 2015 PMID: 25741868, with internal and published modifications).

NM_016356.5(DCDC2):c.1275G>T (p.Leu425=)

Gene: DCDC2 (doublecortin domain containing 2; minus strand). Cytogenetic location: 6p22.3.
Variant type: single nucleotide variant.
Coding change: c.1275G>T on transcript NM_016356.5 (MANE Select); coding-DNA position 1275, G replaced by T.
Protein change: p.Leu425=; no amino-acid change (leucine 425 retained).
Molecular consequence: synonymous variant.
Genome position (GRCh38, 1-based): chr6:24,178,381, C>A on the plus strand (G>T on the coding strand, the complement: DCDC2 is on the minus strand). VCF-style: chr6-24178381-C-A. GRCh37 (hg19) VCF-style: chr6-24178609-C-A.
Other names: c.1275G>T (NM_016356.4); c.1275G>T, p.Leu425= (NM_001195610.2).
Identifiers: ClinVar variation 2048632 (VCV002048632.6), dbSNP rs534996877, ClinGen allele CA3654468.
Genomic context (GRCh38, chr6:24,178,381, plus strand): 5'-TAGAAATACCTCATCTTGTCCACTGCCAGCTCCTTGAGACTTTCTTTCCTTGTCTAGGAC[C>A]AGTTGAAGCTCATTATTAACCTGCTGCAGCTCCTCACCATTCTCCTCATCGGTGCCTCCA-3'
Protein context (NP_057440.2, residues 415-435): ELQQVNNELQ[Leu425=]VLDKERKSQG